The following is an entry in ClinVar:

ClinVar aggregate classification (germline): Uncertain significance (1 of 4 stars; one submission).

Allele frequency attached by ClinVar (database versions not stated): ExAC 0.00001.

Submissions (2):

Labcorp Genetics (formerly Invitae), Labcorp
Classification: Uncertain significance. Last evaluated: 2024-01-07. Review status: criteria provided, single submitter. Criteria: Invitae Variant Classification Sherloc (09022015). Collection method: clinical testing. Allele origin: germline.
Comment: This sequence change affects a donor splice site in intron 7 of the PLXNA2 gene. It is expected to disrupt RNA splicing. Variants that disrupt the donor or acceptor splice site typically lead to a loss of protein function (PMID: 16199547), however the current clinical and genetic evidence is not sufficient to establish whether loss-of-function variants in PLXNA2 cause disease. This variant is present in population databases (rs766059194, gnomAD 0.0009%). This variant has not been reported in the literature in individuals affected with PLXNA2-related conditions. Algorithms developed to predict the effect of sequence changes on RNA splicing suggest that this variant may disrupt the consensus splice site. In summary, the available evidence is currently insufficient to determine the role of this variant in disease. Therefore, it has been classified as a Variant of Uncertain Significance.

Dr. Peter K. Rogan Lab, Western University
No classification provided (evidence only). Condition: Clear cell carcinoma of kidney. Review status: no classification provided. Collection method: in vitro. Allele origin: not applicable. Functional consequence: skipped exon. Not counted in ClinVar's aggregate classification.

Literature cited by the submitters: PubMed 16199547 (cited by Labcorp Genetics (formerly Invitae), Labcorp).

NM_025179.4(PLXNA2):c.1885+1G>A

Gene: PLXNA2 (plexin A2; minus strand). Cytogenetic location: 1q32.2.
Variant type: single nucleotide variant.
Coding change: c.1885+1G>A on transcript NM_025179.4 (MANE Select); the canonical splice donor site of the intron after coding-DNA position 1885, G replaced by A.
Molecular consequence: splice donor variant.
Genome position (GRCh38, 1-based): chr1:208,096,729, C>T on the plus strand (G>A on the coding strand, the complement: PLXNA2 is on the minus strand). VCF-style: chr1-208096729-C-T. GRCh37 (hg19) VCF-style: chr1-208270074-C-T.
Identifiers: ClinVar variation 2708075 (VCV002708075.4), dbSNP rs766059194, ClinGen allele CA1373701.